The following is an entry in ClinVar:

ClinVar aggregate classification (germline): Uncertain significance (1 of 4 stars; one submission).

Allele frequency attached by ClinVar (database versions not stated): gnomAD exomes below 0.00001; gnomAD 0.00001; 1000 Genomes Project 30x 0.00016.
gnomAD v4.1: 2 of 1,549,794 alleles (0.00013%); highest among the groups gnomAD compares: African/African-American, 0.0027%; no homozygotes.

Submission:

Labcorp Genetics (formerly Invitae), Labcorp
Classification: Uncertain significance. Last evaluated: 2023-12-11. Review status: criteria provided, single submitter. Criteria: Invitae Variant Classification Sherloc (09022015). Collection method: clinical testing. Allele origin: germline.
Comment: This sequence change replaces alanine, which is neutral and non-polar, with valine, which is neutral and non-polar, at codon 633 of the ZNF469 protein (p.Ala633Val). This variant is not present in population databases (gnomAD no frequency). This variant has not been reported in the literature in individuals affected with ZNF469-related conditions. An algorithm developed to predict the effect of missense changes on protein structure and function (PolyPhen-2) suggests that this variant is likely to be disruptive. In summary, the available evidence is currently insufficient to determine the role of this variant in disease. Therefore, it has been classified as a Variant of Uncertain Significance.

NM_001367624.2(ZNF469):c.1898C>T (p.Ala633Val)

Gene: ZNF469 (zinc finger protein 469; plus strand). Cytogenetic location: 16q24.2.
Variant type: single nucleotide variant.
Coding change: c.1898C>T on transcript NM_001367624.2 (MANE Select); coding-DNA position 1898, C replaced by T.
Protein change: p.Ala633Val; replaces alanine 633 with valine.
Molecular consequence: missense variant.
Genome position (GRCh38, 1-based): chr16:88,429,368, C>T. VCF-style: chr16-88429368-C-T. GRCh37 (hg19) VCF-style: chr16-88495776-C-T.
Other names: short protein forms A633V.
Identifiers: ClinVar variation 2854687 (VCV002854687.3), dbSNP rs1905957029, ClinGen allele CA397069093.
Genomic context (GRCh38, chr16:88,429,368, plus strand): 5'-GCAGCCCAGCCAACCCCAGCTCAGAGGAAAGCCAGCTCCCCGGCCCCCTCGGGCCCTCGG[C>T]CTTCTTCCACCCACCCACTCACCCCCAGGAGACGGGCAGCCCCTTCCCGTCCCCGGAGCC-3'
Protein context (NP_001354553.1, residues 623-643): SQLPGPLGPS[Ala633Val]FFHPPTHPQE